The following is an entry in ClinVar:

ClinVar aggregate classification (germline): Benign/Likely benign. Review status: criteria provided, multiple submitters, no conflicts (2 of 4 stars). 4 submissions from 4 submitters: Benign (1); Likely benign (3). Last evaluated 2024-09-03.

Conditions:
Danon disease. Also called: ANTOPOL DISEASE; PSEUDOGLYCOGENOSIS II; Glycogen Storage Disease Type IIb; GSD IIb; LYSOSOMAL GLYCOGEN STORAGE DISEASE WITHOUT ACID MALTASE DEFICIENCY. Identifiers: Orphanet 34587, MedGen C0878677, MONDO:0010281, OMIM 300257.

Allele frequency attached by ClinVar (database versions not stated): TOPMed 0.00007; ExAC 0.00008; gnomAD exomes 0.00009 and 0.00025; gnomAD 0.00014; ESP Exome Variant Server 0.00019.
gnomAD v4.1: 302 of 1,208,250 alleles (0.025%); highest among the groups gnomAD compares: Non-Finnish European, 0.03%; no homozygotes.

Submissions (4):

Blueprint Genetics
Classification: Likely benign. Last evaluated: 2024-09-03. Review status: criteria provided, single submitter. Criteria: ACMG Guidelines, 2015. Collection method: clinical testing. Allele origin: germline.

Victorian Clinical Genetics Services, Murdoch Childrens Research Institute
Classification: Likely benign for Danon disease. Last evaluated: 2022-02-02. Review status: criteria provided, single submitter. Criteria: ACMG Guidelines, 2015. Collection method: clinical testing. Allele origin: germline. Inheritance: Autosomal dominant inheritance.
Comment: Based on the classification scheme VCGS_Germline_v1.3.4, this variant is classified as Likely benign. Following criteria are met: 0102 - Loss of function is a known mechanism of disease in this gene and is associated with Danon disease (MIM#300257). (I) 0110 - This gene is associated with X-linked dominant disease. (I) 0115 - Variants in this gene are known to have variable expressivity. Phenotypic variability has been described, and males typically have earlier disease onset and more severe phenotypes than females (OMIM). (I) 0200 - Variant is predicted to result in a missense amino acid change from isoleucine to valine. (I) 0251 - This variant is heterozygous. (I) 0302 - Variant is present in gnomAD (v2) <0.001 for a dominant condition (12 heterozygotes, 0 homozygotes, 5 hemizygotes). (SP) 0503 - Missense variant consistently predicted to be tolerated by multiple in silico tools or not conserved in placental mammals with a minor amino acid change. (SB) 0604 - Variant is not located in an established domain, motif, hotspot or informative constraint region. (I) 0705 - No comparable missense variants have previous evidence for pathogenicity. (I) 0808 - Previous reports of pathogenicity for this variant are conflicting. This variant has been reported as VUS and benign in ClinVar. It has also been reported as VUS in an individual with atrial fibrillation who also has a pathogenic KCNQ1 variant (PMID:31638414) and an individual with HCM who also has a likely pathogenic MYH7 variant (VCGS). (I) 0905 - No published segregation evidence has been identified for this variant. (I) 1007 - No published functional evidence has been identified for this variant. (I) 1208 - Inheritance information for this variant is not currently available in this individual. (I) Legend: (SP) - Supporting pathogenic, (I) - Information, (SB) - Supporting benign

Labcorp Genetics (formerly Invitae), Labcorp
Classification: Benign for Danon disease. Last evaluated: 2021-08-08. Review status: criteria provided, single submitter. Criteria: Invitae Variant Classification Sherloc (09022015). Collection method: clinical testing. Allele origin: germline.

GeneDx
Classification: Likely benign. Last evaluated: 2019-12-11. Review status: criteria provided, single submitter. Criteria: GeneDx Variant Classification Process June 2021. Collection method: clinical testing. Allele origin: germline. Affected: yes.

Literature cited by the submitters: PubMed 31638414 (cited by Victorian Clinical Genetics Services, Murdoch Childrens Research Institute).

NM_002294.3(LAMP2):c.1093+2478A>G

Gene: LAMP2 (lysosome associated membrane protein 2; minus strand). Cytogenetic location: Xq24.
Variant type: single nucleotide variant.
Coding change: c.1093+2478A>G on transcript NM_002294.3 (MANE Select); 2478 bases into the intron after coding-DNA position 1093, A replaced by G.
Molecular consequence: intron variant. On other transcripts: missense variant (1).
Genome position (GRCh38, 1-based): chrX:120,439,252, T>C on the plus strand (A>G on the coding strand, the complement: LAMP2 is on the minus strand). VCF-style: chrX-120439252-T-C. GRCh37 (hg19) VCF-style: chrX-119573107-T-C.
Other names: p.I379V:ATT>GTT; c.1135A>G, p.Ile379Val (NM_013995.2); c.1093+2478A>G (NM_001122606.1); short protein forms I379V.
Identifiers: ClinVar variation 180880 (VCV000180880.14), dbSNP rs140936359, ClinGen allele CA333691.